The following is an entry in ClinVar:

ClinVar aggregate classification (germline): Uncertain significance (1 of 4 stars; one submission).

Submission:

Ambry Genetics
Classification: Uncertain significance. Last evaluated: 2024-03-14. Review status: criteria provided, single submitter. Criteria: Ambry Variant Classification Scheme 2023. Collection method: clinical testing. Allele origin: germline.
Comment: The p.L76V variant (also known as c.226C>G), located in coding exon 2 of the POLQ gene, results from a C to G substitution at nucleotide position 226. The leucine at codon 76 is replaced by valine, an amino acid with highly similar properties. This amino acid position is conserved. In addition, this alteration is predicted to be tolerated by in silico analysis. Based on the available evidence, the clinical significance of this alteration remains unclear.

NM_199420.4(POLQ):c.226C>G (p.Leu76Val)

Gene: POLQ (DNA polymerase theta; minus strand). Cytogenetic location: 3q13.33.
Variant type: single nucleotide variant.
Coding change: c.226C>G on transcript NM_199420.4 (MANE Select); coding-DNA position 226, C replaced by G.
Protein change: p.Leu76Val; replaces leucine 76 with valine.
Molecular consequence: missense variant.
Genome position (GRCh38, 1-based): chr3:121,544,844, G>C on the plus strand (C>G on the coding strand, the complement: POLQ is on the minus strand). VCF-style: chr3-121544844-G-C. GRCh37 (hg19) VCF-style: chr3-121263691-G-C.
Other names: short protein forms L76V.
Identifiers: ClinVar variation 3229875 (VCV003229875.1), dbSNP rs2546827953, ClinGen allele CA354094757.